The following is an entry in ClinVar:

ClinVar aggregate classification (germline): Uncertain significance. Review status: criteria provided, multiple submitters, no conflicts (2 of 4 stars). 7 submissions from 5 submitters: Uncertain significance (7). Last evaluated 2026-07-14.

Conditions:
SPG11-related disorder. Also called: SPG11-related condition.
Inborn genetic diseases. Identifiers: MedGen C0950123, MeSH D030342.
Amyotrophic lateral sclerosis type 5 (ALS5). Also called: AMYOTROPHIC LATERAL SCLEROSIS 5, JUVENILE. Identifiers: Orphanet 300605, MedGen C1865864, MONDO:0011196, OMIM 602099.
Charcot-Marie-Tooth disease axonal type 2X. Also called: CHARCOT-MARIE-TOOTH DISEASE, AXONAL, AUTOSOMAL RECESSIVE, TYPE 2X; CHARCOT-MARIE-TOOTH NEUROPATHY, TYPE 2X. Identifiers: Orphanet 466775, MedGen C5569024, MONDO:0014726, OMIM 616668.
Hereditary spastic paraplegia 11. Also called: Spastic Paraplegia 11; Nakamura Osame syndrome; Autosomal recessive hereditary spastic paraplegia, mental impairment, and thin corpus callosum; Spastic paraplegia, mental retardation and thin corpus callosum; SPASTIC PARAPLEGIA, AUTOSOMAL RECESSIVE, COMPLICATED, WITH THIN CORPUS CALLOSUM; SPASTIC PARAPLEGIA, AUTOSOMAL RECESSIVE, WITH MENTAL IMPAIRMENT AND THIN CORPUS CALLOSUM. Identifiers: Orphanet 2822, MedGen C1858479, MONDO:0011445, OMIM 604360.

Allele frequency attached by ClinVar (database versions not stated): gnomAD 0.00001; TOPMed 0.00001.
gnomAD v4.1: 41 of 1,613,460 alleles (0.0025%); highest among the groups gnomAD compares: Admixed American, 0.03%; no homozygotes.

Submissions (7):

PreventionGenetics, part of Exact Sciences
Classification: Uncertain significance for SPG11-related condition. Last evaluated: 2026-07-14. Review status: criteria provided, single submitter. Criteria: ACMG Guidelines, 2015. Collection method: clinical testing. Allele origin: germline.
Comment: The SPG11 c.5059G>A variant is predicted to result in the amino acid substitution p.Ala1687Thr. To our knowledge, this variant has not been reported in the literature. This variant is reported in 0.037% of alleles in individuals of Latino descent in gnomAD. At this time, the clinical significance of this variant is uncertain due to the absence of conclusive functional and genetic evidence.

Ambry Genetics
Classification: Uncertain significance for Inborn genetic diseases. Last evaluated: 2022-09-29. Review status: criteria provided, single submitter. Criteria: Ambry Variant Classification Scheme 2023. Collection method: clinical testing. Allele origin: germline.
Comment: The p.A1687T variant (also known as c.5059G>A), located in coding exon 29 of the SPG11 gene, results from a G to A substitution at nucleotide position 5059. The alanine at codon 1687 is replaced by threonine, an amino acid with similar properties. This amino acid position is conserved. In addition, this alteration is predicted to be tolerated by in silico analysis. Since supporting evidence is limited at this time, the clinical significance of this alteration remains unclear.

Labcorp Genetics (formerly Invitae), Labcorp
Classification: Uncertain significance for Hereditary spastic paraplegia 11. Last evaluated: 2022-09-13. Review status: criteria provided, single submitter. Criteria: Invitae Variant Classification Sherloc (09022015). Collection method: clinical testing. Allele origin: germline.
Comment: This sequence change replaces alanine, which is neutral and non-polar, with threonine, which is neutral and polar, at codon 1687 of the SPG11 protein (p.Ala1687Thr). This variant is present in population databases (rs779161014, gnomAD 0.04%). This variant has not been reported in the literature in individuals affected with SPG11-related conditions. ClinVar contains an entry for this variant (Variation ID: 219558). Advanced modeling of protein sequence and biophysical properties (such as structural, functional, and spatial information, amino acid conservation, physicochemical variation, residue mobility, and thermodynamic stability) performed at Invitae indicates that this missense variant is not expected to disrupt SPG11 protein function. In summary, the available evidence is currently insufficient to determine the role of this variant in disease. Therefore, it has been classified as a Variant of Uncertain Significance.

Baylor Genetics
Classification: Uncertain significance for Amyotrophic lateral sclerosis type 5. Last evaluated: 2020-02-05. Review status: criteria provided, single submitter. Criteria: ACMG Guidelines, 2015. Collection method: clinical testing. Allele origin: unknown. Affected: yes.
Comment: This variant was determined to be of uncertain significance according to ACMG Guidelines, 2015 [PMID:25741868].

Genome-Nilou Lab
Classification: Uncertain significance for Amyotrophic lateral sclerosis type 5. Review status: criteria provided, single submitter. Criteria: ACMG Guidelines, 2015. Collection method: clinical testing. Allele origin: germline.

Genome-Nilou Lab
Classification: Uncertain significance for Charcot-Marie-Tooth disease axonal type 2X. Review status: criteria provided, single submitter. Criteria: ACMG Guidelines, 2015. Collection method: clinical testing. Allele origin: germline.

Genome-Nilou Lab
Classification: Uncertain significance for Hereditary spastic paraplegia 11. Review status: criteria provided, single submitter. Criteria: ACMG Guidelines, 2015. Collection method: clinical testing. Allele origin: germline.

NM_025137.4(SPG11):c.5059G>A (p.Ala1687Thr)

Gene: SPG11 (SPG11 vesicle trafficking associated, spatacsin; minus strand). Cytogenetic location: 15q21.1.
Variant type: single nucleotide variant.
Coding change: c.5059G>A on transcript NM_025137.4 (MANE Select); coding-DNA position 5059, G replaced by A.
Protein change: p.Ala1687Thr; replaces alanine 1687 with threonine.
Molecular consequence: missense variant.
Genome position (GRCh38, 1-based): chr15:44,585,698, C>T on the plus strand (G>A on the coding strand, the complement: SPG11 is on the minus strand). VCF-style: chr15-44585698-C-T. GRCh37 (hg19) VCF-style: chr15-44877896-C-T.
Other names: c.5059G>A, p.Ala1687Thr (NM_001160227.2); short protein forms A1687T.
Identifiers: ClinVar variation 219558 (VCV000219558.10), dbSNP rs779161014, ClinGen allele CA350762.
Genomic context (GRCh38, chr15:44,585,698, plus strand): 5'-CTTTAATAACCAAGTTGTCCACAGGTAACTCAGCTAATTCTGCTACCCTCCTGGCCAAAG[C>T]GAATTGTCCATCTGTCTGCAGTCTTTCCAAAATAGATCTACATTCATGCTGAAGATTCTC-3'
Protein context (NP_079413.3, residues 1677-1697): LERLQTDGQF[Ala1687Thr]LARRVAELAE